The following is an entry in ClinVar:

ClinVar aggregate classification (germline): Uncertain significance. Review status: criteria provided, multiple submitters, no conflicts (2 of 4 stars). 2 submissions from 2 submitters: Uncertain significance (2). Last evaluated 2025-06-07.

Conditions:
Dyskeratosis congenita, autosomal recessive 5 (DKCB5). Identifiers: MedGen C3554656, MONDO:0014076, OMIM 615190.
Pulmonary fibrosis and/or bone marrow failure, Telomere-related, 3. Also called: PULMONARY FIBROSIS AND/OR BONE MARROW FAILURE SYNDROME, TELOMERE-RELATED, 3. Identifiers: Orphanet 2032, MedGen C4225346, MONDO:0014613, OMIM 616373.
Inborn genetic diseases. Identifiers: MedGen C0950123, MeSH D030342.

Submissions (2):

Ambry Genetics
Classification: Uncertain significance for Inborn genetic diseases. Last evaluated: 2025-06-07. Review status: criteria provided, single submitter. Criteria: Ambry Variant Classification Scheme 2023. Collection method: clinical testing. Allele origin: germline.
Comment: The p.P759R variant (also known as c.2276C>G), located in coding exon 25 of the RTEL1 gene, results from a C to G substitution at nucleotide position 2276. The proline at codon 759 is replaced by arginine, an amino acid with dissimilar properties. This amino acid position is conserved. In addition, this alteration is predicted to be tolerated by in silico analysis. Based on the available evidence, the clinical significance of this variant remains unclear.

Labcorp Genetics (formerly Invitae), Labcorp
Classification: Uncertain significance for Dyskeratosis congenita, autosomal recessive 5; Pulmonary fibrosis and/or bone marrow failure, Telomere-related, 3. Last evaluated: 2024-05-18. Review status: criteria provided, single submitter. Criteria: Invitae Variant Classification Sherloc (09022015). Collection method: clinical testing. Allele origin: germline.
Comment: This sequence change replaces proline, which is neutral and non-polar, with arginine, which is basic and polar, at codon 759 of the RTEL1 protein (p.Pro759Arg). This variant is not present in population databases (gnomAD no frequency). This variant has not been reported in the literature in individuals affected with RTEL1-related conditions. An algorithm developed to predict the effect of missense changes on protein structure and function (PolyPhen-2) suggests that this variant is likely to be tolerated. In summary, the available evidence is currently insufficient to determine the role of this variant in disease. Therefore, it has been classified as a Variant of Uncertain Significance.

NM_001283009.2(RTEL1):c.2276C>G (p.Pro759Arg)

Genes: RTEL1 (regulator of telomere elongation helicase 1; plus strand), RTEL1-TNFRSF6B (RTEL1-TNFRSF6B readthrough (NMD candidate); plus strand). Cytogenetic location: 20q13.33.
Variant type: single nucleotide variant.
Coding change: c.2276C>G on transcript NM_001283009.2 (MANE Select); coding-DNA position 2276, C replaced by G.
Protein change: p.Pro759Arg; replaces proline 759 with arginine.
Molecular consequence: missense variant. On other transcripts: non-coding transcript variant (1).
Genome position (GRCh38, 1-based): chr20:63,690,304, C>G. VCF-style: chr20-63690304-C-G. GRCh37 (hg19) VCF-style: chr20-62321657-C-G.
Other names: c.1607C>G, p.Pro536Arg (NM_001283010.1); c.2276C>G, p.Pro759Arg (NM_016434.4); c.2348C>G, p.Pro783Arg (NM_032957.5); short protein forms P536R, P759R, P783R.
Identifiers: ClinVar variation 3763028 (VCV003763028.3).